The following is an entry in ClinVar:

NM_001854.4(COL11A1):c.4802C>A (p.Thr1601Asn)

Gene: COL11A1 (collagen type XI alpha 1 chain; minus strand). Cytogenetic location: 1p21.1.
Variant type: single nucleotide variant.
Coding change: c.4802C>A on transcript NM_001854.4 (MANE Select); coding-DNA position 4802, C replaced by A.
Protein change: p.Thr1601Asn; replaces threonine 1601 with asparagine.
Molecular consequence: missense variant. On other transcripts: non-coding transcript variant (1).
Genome position (GRCh38, 1-based): chr1:102,886,863, G>T on the plus strand (C>A on the coding strand, the complement: COL11A1 is on the minus strand). VCF-style: chr1-102886863-G-T. GRCh37 (hg19) VCF-style: chr1-103352419-G-T.
Other names: c.4685C>A, p.Thr1562Asn (NM_001190709.2); c.4838C>A, p.Thr1613Asn (NM_080629.3); c.4454C>A, p.Thr1485Asn (NM_080630.4); short protein forms T1601N, T1613N, T1485N, T1562N.
Identifiers: ClinVar variation 392007 (VCV000392007.28), dbSNP rs143206624, ClinGen allele CA973407.
Genomic context (GRCh38, chr1:102,886,863, plus strand): 5'-ATACCATCTGGGAAGTCAGGATGGCTGAGTTGCAGGTCTTTACAAGTTCGGGCTGGATTG[G>T]TCTGAGTACCCATTGGAAATTTCATATGCTCAATGTCTTGTTTCAGGGAATTGAGGGAAC-3'
Protein context (NP_001845.3, residues 1591-1611): EHMKFPMGTQ[Thr1601Asn]NPARTCKDLQ

ClinVar aggregate classification (germline): Conflicting classifications of pathogenicity. Review status: criteria provided, conflicting classifications (1 of 4 stars). 9 submissions from 8 submitters: Uncertain significance (6); Likely benign (3). Last evaluated 2026-09-22.

Conditions:
Connective tissue disorder. Also called: Connective tissue disease. Identifiers: MedGen C0009782, MONDO:0003900.
COL11A1-related disorder. Also called: COL11A1-related condition; COL11A1-related disorders.
Intervertebral disc disorder (IDD). Also called: INTERVERTEBRAL DISC DISEASE; Lumbar disk degenerative disorder. Identifiers: MedGen C0158252, MONDO:0044339, OMIM 603932.
Stickler syndrome type 2 (STL2). Also called: STICKLER SYNDROME, BEADED VITREOUS TYPE; STICKLER SYNDROME, VITREOUS TYPE 2; STICKLER SYNDROME, TYPE II; COL11A1-Related Stickler Syndrome. Identifiers: Orphanet 828, Orphanet 90654, MedGen C1858084, MONDO:0011493, OMIM 604841.
Hearing loss, autosomal dominant 37. Also called: DEAFNESS, AUTOSOMAL DOMINANT 37. Identifiers: MedGen C4760307, MONDO:0032802, OMIM 618533.
Marshall syndrome (MRSHS). Identifiers: Orphanet 560, MedGen C0265235, MONDO:0007949, OMIM 154780.
Fibrochondrogenesis 1 (FBCG1). Identifiers: Orphanet 2021, MedGen C3278138, MONDO:0009226, OMIM 228520.
Inborn genetic diseases. Identifiers: MedGen C0950123, MeSH D030342.

Allele frequency attached by ClinVar (database versions not stated): TOPMed 0.00011; gnomAD 0.00019; ESP Exome Variant Server 0.00031.
gnomAD v4.1: 416 of 1,613,768 alleles (0.026%); highest among the groups gnomAD compares: Middle Eastern, 0.033%; no homozygotes.

Submissions (9):

GeneDx
Classification: Uncertain significance. Last evaluated: 2026-09-22. Review status: criteria provided, single submitter. Criteria: GeneDx Variant Classification Process June 2021. Collection method: clinical testing. Allele origin: germline.
Comment: Identified in a cohort of individuals with an inherited retinal dystrophy; however detailed clinical information was not provided (PMID: 35955564); In silico analysis suggests that this missense variant does not alter protein structure/function; Not located in the triple helical region, where the majority of pathogenic missense variants occur (PMID: 25240749); This variant is associated with the following publications: (PMID: 25240749, 35955564)

PreventionGenetics, part of Exact Sciences
Classification: Uncertain significance for COL11A1-related condition. Last evaluated: 2026-06-30. Review status: criteria provided, single submitter. Criteria: ACMG Guidelines, 2015. Collection method: clinical testing. Allele origin: germline.
Comment: The COL11A1 c.4802C>A variant is predicted to result in the amino acid substitution p.Thr1601Asn. To our knowledge, this variant has not been reported in the literature. This variant is reported in 0.029% of alleles in individuals of European (Non-Finnish) descent in gnomAD. At this time, the clinical significance of this variant is uncertain due to the absence of conclusive functional and genetic evidence.

Labcorp Genetics (formerly Invitae), Labcorp
Classification: Likely benign. Last evaluated: 2025-12-11. Review status: criteria provided, single submitter. Criteria: Invitae Variant Classification Sherloc (09022015). Collection method: clinical testing. Allele origin: germline.

Ambry Genetics
Classification: Uncertain significance for Inborn genetic diseases. Last evaluated: 2024-12-08. Review status: criteria provided, single submitter. Criteria: Ambry Variant Classification Scheme 2023. Collection method: clinical testing. Allele origin: germline.

Blueprint Genetics
Classification: Likely benign. Last evaluated: 2024-11-20. Review status: criteria provided, single submitter. Criteria: ACMG Guidelines, 2015. Collection method: clinical testing. Allele origin: germline.

Fulgent Genetics
Classification: Uncertain significance for Marshall syndrome; Fibrochondrogenesis 1; Intervertebral disc disorder; Stickler syndrome type 2; Hearing loss, autosomal dominant 37. Last evaluated: 2024-05-03. Review status: criteria provided, single submitter. Criteria: ACMG Guidelines, 2015. Collection method: clinical testing. Allele origin: germline.

Center for Human Genetics, Inc
Classification: Likely benign for Connective tissue disorder. Last evaluated: 2018-06-01. Review status: criteria provided, single submitter. Criteria: ACMG Guidelines, 2015. Collection method: clinical testing. Allele origin: germline. Affected: yes.

Illumina Laboratory Services, Illumina
Classification: Uncertain significance for Fibrochondrogenesis 1. Last evaluated: 2018-01-15. Review status: criteria provided, single submitter. Criteria: ICSL Variant Classification Criteria 13 December 2019. Collection method: clinical testing. Allele origin: germline.

Illumina Laboratory Services, Illumina
Classification: Uncertain significance for Stickler syndrome type 2. Last evaluated: 2018-01-15. Review status: criteria provided, single submitter. Criteria: ICSL Variant Classification Criteria 13 December 2019. Collection method: clinical testing. Allele origin: germline.